The following is an entry in ClinVar:

NM_005068.3(SIM1):c.197A>G (p.His66Arg)

Gene: SIM1 (SIM bHLH transcription factor 1; minus strand). Cytogenetic location: 6q16.3.
Variant type: single nucleotide variant.
Coding change: c.197A>G on transcript NM_005068.3 (MANE Select); coding-DNA position 197, A replaced by G.
Protein change: p.His66Arg; replaces histidine 66 with arginine.
Molecular consequence: missense variant.
Genome position (GRCh38, 1-based): chr6:100,453,823, T>C on the plus strand (A>G on the coding strand, the complement: SIM1 is on the minus strand). VCF-style: chr6-100453823-T-C. GRCh37 (hg19) VCF-style: chr6-100901699-T-C.
Other names: c.197A>G, p.His66Arg (NM_001374769.1); short protein forms H66R.
Identifiers: ClinVar variation 2992643 (VCV002992643.3), dbSNP rs1162511201, ClinGen allele CA365129218.

ClinVar aggregate classification (germline): Uncertain significance (1 of 4 stars; one submission).

Allele frequency attached by ClinVar (database versions not stated): TOPMed below 0.00001; gnomAD exomes 0.00001.
gnomAD v4.1: 5 of 1,612,056 alleles (0.00031%); highest among the groups gnomAD compares: Non-Finnish European, 0.00042%; no homozygotes.

Submission:

Labcorp Genetics (formerly Invitae), Labcorp
Classification: Uncertain significance. Last evaluated: 2023-05-30. Review status: criteria provided, single submitter. Criteria: Invitae Variant Classification Sherloc (09022015). Collection method: clinical testing. Allele origin: germline.
Comment: In summary, the available evidence is currently insufficient to determine the role of this variant in disease. Therefore, it has been classified as a Variant of Uncertain Significance. An algorithm developed to predict the effect of missense changes on protein structure and function (PolyPhen-2) suggests that this variant is likely to be tolerated. This variant has not been reported in the literature in individuals affected with SIM1-related conditions. This variant is not present in population databases (gnomAD no frequency). This sequence change replaces histidine, which is basic and polar, with arginine, which is basic and polar, at codon 66 of the SIM1 protein (p.His66Arg).